The following is an entry in ClinVar:

ClinVar aggregate classification (germline): Likely pathogenic (1 of 4 stars; one submission).

Conditions:
Deficiency of galactokinase. Also called: GALACTOSEMIA II; Galactokinase deficiency with cataracts. Identifiers: Orphanet 352, Orphanet 79237, MedGen C0268155, MONDO:0009255, OMIM 230200.

Submission:

Myriad Genetics, Inc.
Classification: Likely pathogenic for Deficiency of galactokinase. Last evaluated: 2021-11-13. Review status: criteria provided, single submitter. Criteria: Myriad Women's Health Autosomal Recessive and X-Linked Classification Criteria (2021). Collection method: clinical testing. Allele origin: unknown.
Comment: NM_000154.1(GALK1):c.350delA(Y117Sfs*47) is expected to be pathogenic in the context of galactokinase deficiency. This variant is predicted to lead to an abnormal or absent protein product due to the creation of a premature termination codon in GALK1, a gene where loss-of-function variants are known to be pathogenic. Please note: this variant was assessed in the context of healthy population screening.

NM_000154.2(GALK1):c.350del (p.Tyr117fs)

Gene: GALK1 (galactokinase 1; minus strand). Cytogenetic location: 17q25.1.
Variant type: Deletion.
Coding change: c.350del on transcript NM_000154.2 (MANE Select); coding-DNA position 350, one base deleted (A; older notation c.350delA).
Protein change: p.Tyr117fs; shifts the reading frame from tyrosine 117.
Molecular consequence: frameshift variant.
Genome position (GRCh38, 1-based): chr17:75,763,902, T deleted on the plus strand (A on the coding strand, the reverse complement: GALK1 is on the minus strand). VCF-style (leftmost placement, unchanged base first): chr17-75763901-GT-G. GRCh37 (hg19) VCF-style: chr17-73759982-GT-G.
Other names: c.350del, p.Tyr117fs (NM_001381985.1); short protein forms Y117fs.
Identifiers: ClinVar variation 1724472 (VCV001724472.2), dbSNP rs2545904183, ClinGen allele CA2580095192.